The following is an entry in ClinVar:

ClinVar aggregate classification (germline): Uncertain significance. Review status: criteria provided, single submitter (1 of 4 stars). 2 submissions from 2 submitters: Uncertain significance (1). 1 of the submissions does not count toward it. Last evaluated 2025-07-27.

Conditions:
FGFRL1-related disorder. Also called: FGFRL1-related condition.

Submissions (2):

Labcorp Genetics (formerly Invitae), Labcorp
Classification: Uncertain significance. Last evaluated: 2025-07-27. Review status: criteria provided, single submitter. Criteria: Invitae Variant Classification Sherloc (09022015). Collection method: clinical testing. Allele origin: germline.
Comment: This sequence change is expected to alter the c-terminus of the FGFRL1 protein (p.Ser486Thrfs*95). While this is not anticipated to result in nonsense mediated decay, it is expected to disrupt the last 19 amino acid(s) of the FGFRL1 protein and extend the protein by 75 additional amino acid residues. The frequency data for this variant in the population databases is considered unreliable, as metrics indicate poor data quality at this position in the gnomAD database. This variant has not been reported in the literature in individuals affected with FGFRL1-related conditions. In summary, the available evidence is currently insufficient to determine the role of this variant in disease. Therefore, it has been classified as a Variant of Uncertain Significance.

PreventionGenetics, part of Exact Sciences
Classification: Likely benign for FGFRL1-related condition. Last evaluated: 2019-07-29. Review status: no assertion criteria provided. Collection method: clinical testing. Allele origin: germline. Not counted in ClinVar's aggregate classification.
Comment: This variant is classified as likely benign based on ACMG/AMP sequence variant interpretation guidelines (Richards et al. 2015 PMID: 25741868, with internal and published modifications).

NM_001004356.3(FGFRL1):c.1454_1455dup (p.Ser486fs)

Gene: FGFRL1 (fibroblast growth factor receptor like 1; plus strand). Cytogenetic location: 4p16.3.
Variant type: Microsatellite.
Coding change: c.1454_1455dup on transcript NM_001004356.3 (MANE Select); coding-DNA positions 1454 to 1455, 2 bases duplicated (AC; older notation c.1454_1455dupAC).
Protein change: p.Ser486fs; shifts the reading frame from serine 486.
Molecular consequence: frameshift variant.
Genome position (GRCh38, 1-based): chr4:1,025,286-1,025,287, AC duplicated; duplicating any 2 consecutive bases within chr4:1,025,267-1,025,287 gives the same sequence; the c. name uses the placement nearest the transcript's 3' end. VCF-style (leftmost placement, unchanged base first): chr4-1025266-C-CCA. GRCh37 (hg19) VCF-style: chr4-1019054-C-CCA.
Other names: c.1454_1455dup, p.Ser486fs (NM_001004358.1, NM_001370296.1, NM_021923.3); short protein forms S486fs.
Identifiers: ClinVar variation 3056461 (VCV003056461.3), dbSNP rs145808953, ClinGen allele CA2803114.